The following is an entry in ClinVar:

ClinVar aggregate classification (germline): Uncertain significance. Review status: criteria provided, multiple submitters, no conflicts (2 of 4 stars). 2 submissions from 2 submitters: Uncertain significance (2). Last evaluated 2025-07-16.

Conditions:
Inborn genetic diseases. Identifiers: MedGen C0950123, MeSH D030342.

Allele frequency attached by ClinVar (database versions not stated): gnomAD exomes below 0.00001 and 0.00001; ExAC 0.00002; gnomAD 0.00007 and 0.00008; TOPMed 0.00009; ESP Exome Variant Server 0.00015.
gnomAD v4.1: 15 of 1,614,086 alleles (0.00093%); highest among the groups gnomAD compares: African/African-American, 0.02%; no homozygotes.

Submissions (2):

Ambry Genetics
Classification: Uncertain significance for Inborn genetic diseases. Last evaluated: 2025-07-16. Review status: criteria provided, single submitter. Criteria: Ambry Variant Classification Scheme 2023. Collection method: clinical testing. Allele origin: germline.

Labcorp Genetics (formerly Invitae), Labcorp
Classification: Uncertain significance. Last evaluated: 2025-01-06. Review status: criteria provided, single submitter. Criteria: Invitae Variant Classification Sherloc (09022015). Collection method: clinical testing. Allele origin: germline.
Comment: This sequence change replaces methionine, which is neutral and non-polar, with isoleucine, which is neutral and non-polar, at codon 201 of the CNGA3 protein (p.Met201Ile). This variant is present in population databases (rs374497578, gnomAD 0.02%). This variant has not been reported in the literature in individuals affected with CNGA3-related conditions. ClinVar contains an entry for this variant (Variation ID: 1484274). Invitae Evidence Modeling of protein sequence and biophysical properties (such as structural, functional, and spatial information, amino acid conservation, physicochemical variation, residue mobility, and thermodynamic stability) indicates that this missense variant is not expected to disrupt CNGA3 protein function with a negative predictive value of 95%. In summary, the available evidence is currently insufficient to determine the role of this variant in disease. Therefore, it has been classified as a Variant of Uncertain Significance.

NM_001298.3(CNGA3):c.603G>C (p.Met201Ile)

Gene: CNGA3 (cyclic nucleotide gated channel subunit alpha 3; plus strand). Cytogenetic location: 2q11.2.
Variant type: single nucleotide variant.
Coding change: c.603G>C on transcript NM_001298.3 (MANE Select); coding-DNA position 603, G replaced by C.
Protein change: p.Met201Ile; replaces methionine 201 with isoleucine.
Molecular consequence: missense variant.
Genome position (GRCh38, 1-based): chr2:98,391,900, G>C. VCF-style: chr2-98391900-G-C. GRCh37 (hg19) VCF-style: chr2-99008363-G-C.
Other names: c.549G>C, p.Met183Ile (NM_001079878.2); c.603G>C (NM_001298.2); short protein forms M183I, M201I.
Identifiers: ClinVar variation 1484274 (VCV001484274.9), dbSNP rs374497578, ClinGen allele CA1793824.
Genomic context (GRCh38, chr2:98,391,900, plus strand): 5'-CCATCTCCCACATGGCTTCTTTAGGGCCTGTTTCGATGAGCTGCAGTCCGAGTACCTGAT[G>C]CTGTGGCTGGTCCTGGACTACTCGGCAGATGTCCTGTATGTCTTGGATGTGCTTGTACGA-3'
Protein context (NP_001289.1, residues 191-211): CFDELQSEYL[Met201Ile]LWLVLDYSAD